The following is an entry in ClinVar:

ClinVar aggregate classification (germline): Uncertain significance. Review status: criteria provided, multiple submitters, no conflicts (2 of 4 stars). 2 submissions from 2 submitters: Uncertain significance (2). Last evaluated 2025-04-11.

Conditions:
Inborn genetic diseases. Identifiers: MedGen C0950123, MeSH D030342.

Allele frequency attached by ClinVar (database versions not stated): ExAC 0.00001; gnomAD 0.00001; gnomAD exomes 0.00004.
gnomAD v4.1: 27 of 1,613,958 alleles (0.0017%); highest among the groups gnomAD compares: Non-Finnish European, 0.0022%; no homozygotes.

Submissions (2):

Labcorp Genetics (formerly Invitae), Labcorp
Classification: Uncertain significance. Last evaluated: 2025-04-11. Review status: criteria provided, single submitter. Criteria: Invitae Variant Classification Sherloc (09022015). Collection method: clinical testing. Allele origin: germline.
Comment: This sequence change replaces asparagine, which is neutral and polar, with histidine, which is basic and polar, at codon 348 of the ARCN1 protein (p.Asn348His). This variant is present in population databases (rs782369486, gnomAD 0.004%). This variant has not been reported in the literature in individuals affected with ARCN1-related conditions. ClinVar contains an entry for this variant (Variation ID: 2340758). An algorithm developed to predict the effect of missense changes on protein structure and function (PolyPhen-2) suggests that this variant is likely to be disruptive. In summary, the available evidence is currently insufficient to determine the role of this variant in disease. Therefore, it has been classified as a Variant of Uncertain Significance.

Ambry Genetics
Classification: Uncertain significance for Inborn genetic diseases. Last evaluated: 2022-12-28. Review status: criteria provided, single submitter. Criteria: Ambry Variant Classification Scheme 2023. Collection method: clinical testing. Allele origin: germline.

NM_001655.5(ARCN1):c.1042A>C (p.Asn348His)

Gene: ARCN1 (archain 1 coat protein complex I subunit delta; plus strand). Cytogenetic location: 11q23.3.
Variant type: single nucleotide variant.
Coding change: c.1042A>C on transcript NM_001655.5 (MANE Select); coding-DNA position 1042, A replaced by C.
Protein change: p.Asn348His; replaces asparagine 348 with histidine.
Molecular consequence: missense variant.
Genome position (GRCh38, 1-based): chr11:118,592,766, A>C. VCF-style: chr11-118592766-A-C. GRCh37 (hg19) VCF-style: chr11-118463481-A-C.
Other names: c.778A>C, p.Asn260His (NM_001142281.2); short protein forms N260H, N348H.
Identifiers: ClinVar variation 2340758 (VCV002340758.3), dbSNP rs782369486, ClinGen allele CA6306206.
Genomic context (GRCh38, chr11:118,592,766, plus strand): 5'-TAGACCCATCCAAATGTGGATAAAAAACTTTTCACTGCAGAGTCTCTAATTGGCCTGAAG[A>C]ATCCAGAGAAGTCATTTCCAGTCAACAGTGACGTAGGGGTGCTAAAGTGGAGACTACAAA-3'
Protein context (NP_001646.2, residues 338-358): FTAESLIGLK[Asn348His]PEKSFPVNSD